The following is an entry in ClinVar:

ClinVar aggregate classification (germline): Uncertain significance. Review status: criteria provided, multiple submitters, no conflicts (2 of 4 stars). 2 submissions from 2 submitters: Uncertain significance (2). Last evaluated 2025-07-13.

Conditions:
Hereditary cancer-predisposing syndrome. Also called: Neoplastic Syndromes, Hereditary; Tumor predisposition; Hereditary Cancer Syndrome; Hereditary neoplastic syndrome. Identifiers: Orphanet 140162, MedGen C0027672, MeSH D009386, MONDO:0015356.
Multiple endocrine neoplasia, type 2 (MEN2). Identifiers: Orphanet 653, MedGen C4048306, MONDO:0019003. Disease mechanism: gain of function.

Allele frequency attached by ClinVar (database versions not stated): gnomAD exomes below 0.00001.
gnomAD v4.1: 1 of 1,612,606 alleles (0.000062%); highest among the groups gnomAD compares: East Asian, 0.0022%; no homozygotes.

Submissions (2):

Labcorp Genetics (formerly Invitae), Labcorp
Classification: Uncertain significance for Multiple endocrine neoplasia, type 2. Last evaluated: 2025-07-13. Review status: criteria provided, single submitter. Criteria: Invitae Variant Classification Sherloc (09022015). Collection method: clinical testing. Allele origin: germline.
Comment: This sequence change replaces valine, which is neutral and non-polar, with methionine, which is neutral and non-polar, at codon 822 of the RET protein (p.Val822Met). This variant is not present in population databases (gnomAD no frequency). This variant has not been reported in the literature in individuals affected with RET-related conditions. ClinVar contains an entry for this variant (Variation ID: 821322). An algorithm developed to predict the effect of missense changes on protein structure and function (PolyPhen-2) suggests that this variant is likely to be disruptive. In summary, the available evidence is currently insufficient to determine the role of this variant in disease. Therefore, it has been classified as a Variant of Uncertain Significance.

Ambry Genetics
Classification: Uncertain significance for Hereditary cancer-predisposing syndrome. Last evaluated: 2023-05-11. Review status: criteria provided, single submitter. Criteria: Ambry Variant Classification Scheme 2023. Collection method: clinical testing. Allele origin: germline.
Comment: The p.V822M variant (also known as c.2464G>A), located in coding exon 14 of the RET gene, results from a G to A substitution at nucleotide position 2464. The valine at codon 822 is replaced by methionine, an amino acid with highly similar properties. This amino acid position is not well conserved in available vertebrate species. In addition, this alteration is predicted to be tolerated by in silico analysis. Since supporting evidence is limited at this time, the clinical significance of this alteration remains unclear.

NM_020975.6(RET):c.2464G>A (p.Val822Met)

Gene: RET (ret proto-oncogene; plus strand). Cytogenetic location: 10q11.21.
Variant type: single nucleotide variant.
Coding change: c.2464G>A on transcript NM_020975.6 (MANE Select); coding-DNA position 2464, G replaced by A.
Protein change: p.Val822Met; replaces valine 822 with methionine.
Molecular consequence: missense variant.
Genome position (GRCh38, 1-based): chr10:43,119,602, G>A. VCF-style: chr10-43119602-G-A. GRCh37 (hg19) VCF-style: chr10-43615050-G-A.
Other names: c.2464G>A, p.Val822Met (NM_000323.2, NM_001406743.1, NM_001406744.1 and 4 more transcripts); c.1702G>A, p.Val568Met (NM_001355216.2); c.2335G>A, p.Val779Met (NM_001406761.1, NM_001406762.1, NM_001406764.1); c.2329G>A, p.Val777Met (NM_001406763.1, NM_001406765.1); c.2176G>A, p.Val726Met (NM_001406766.1, NM_001406767.1, NM_001406770.1); c.2200G>A, p.Val734Met (NM_001406768.1); c.2068G>A, p.Val690Met (NM_001406769.1, NM_001406772.1); c.2026G>A, p.Val676Met (NM_001406771.1, NM_001406773.1); and 10 more; short protein forms V568M, V822M, V480M, V580M, V690M, V777M, V339M, V427M.
Identifiers: ClinVar variation 821322 (VCV000821322.11), dbSNP rs1588877202, ClinGen allele CA376556277.